The following is an entry in ClinVar:

NM_001040716.2(PC):c.1368+11G>A

Gene: PC (pyruvate carboxylase; minus strand). Cytogenetic location: 11q13.2.
Variant type: single nucleotide variant.
Coding change: c.1368+11G>A on transcript NM_001040716.2 (MANE Select); 11 bases into the intron after coding-DNA position 1368, G replaced by A.
Molecular consequence: intron variant.
Genome position (GRCh38, 1-based): chr11:66,863,763, C>T on the plus strand (G>A on the coding strand, the complement: PC is on the minus strand). VCF-style: chr11-66863763-C-T. GRCh37 (hg19) VCF-style: chr11-66631234-C-T.
Other names: c.1368+11G>A (NM_000920.4, NM_022172.3).
Identifiers: ClinVar variation 138585 (VCV000138585.12), dbSNP rs371731636, ClinGen allele CA292686.

ClinVar aggregate classification (germline): Conflicting classifications of pathogenicity. Review status: criteria provided, conflicting classifications (1 of 4 stars). 3 submissions from 3 submitters: Uncertain significance (1); Benign (1); Likely benign (1). Last evaluated 2025-06-12.

Conditions:
Pyruvate carboxylase deficiency. Also called: Pyruvate Carboxylase Deficiency Disease; ATAXIA WITH LACTIC ACIDOSIS II; LEIGH NECROTIZING ENCEPHALOPATHY DUE TO PYRUVATE CARBOXYLASE DEFICIENCY; LEIGH SYNDROME DUE TO PYRUVATE CARBOXYLASE DEFICIENCY; PC DEFICIENCY. Identifiers: Orphanet 3008, MedGen C0034341, MONDO:0009949, OMIM 266150.

Allele frequency attached by ClinVar (database versions not stated): gnomAD 0.00005; gnomAD exomes 0.00005; ExAC 0.00006; ESP Exome Variant Server 0.00008; TOPMed 0.00008.
gnomAD v4.1: 89 of 1,601,118 alleles (0.0056%); highest among the groups gnomAD compares: Middle Eastern, 0.12%; no homozygotes.

Submissions (3):

Labcorp Genetics (formerly Invitae), Labcorp
Classification: Likely benign for Pyruvate carboxylase deficiency. Last evaluated: 2025-06-12. Review status: criteria provided, single submitter. Criteria: Invitae Variant Classification Sherloc (09022015). Collection method: clinical testing. Allele origin: germline.

Illumina Laboratory Services, Illumina
Classification: Uncertain significance for Pyruvate carboxylase deficiency. Last evaluated: 2018-01-13. Review status: criteria provided, single submitter. Criteria: ICSL Variant Classification Criteria 13 December 2019. Collection method: clinical testing. Allele origin: germline.

GeneDx
Classification: Benign. Last evaluated: 2014-04-07. Review status: criteria provided, single submitter. Criteria: GeneDx Variant Classification (06012015). Collection method: clinical testing. Allele origin: germline. Affected: yes.
Comment: This variant is considered likely benign or benign based on one or more of the following criteria: it is a conservative change, it occurs at a poorly conserved position in the protein, it is predicted to be benign by multiple in silico algorithms, and/or has population frequency not consistent with disease.